The following is an entry in ClinVar:

NM_024422.6(DSC2):c.1157C>G (p.Thr386Ser)

Gene: DSC2 (desmocollin 2; minus strand). Cytogenetic location: 18q12.1.
Variant type: single nucleotide variant.
Coding change: c.1157C>G on transcript NM_024422.6 (MANE Select); coding-DNA position 1157, C replaced by G.
Protein change: p.Thr386Ser; replaces threonine 386 with serine.
Molecular consequence: missense variant.
Genome position (GRCh38, 1-based): chr18:31,082,344, G>C on the plus strand (C>G on the coding strand, the complement: DSC2 is on the minus strand). VCF-style: chr18-31082344-G-C. GRCh37 (hg19) VCF-style: chr18-28662310-G-C.
Other names: c.1157C>G, p.Thr386Ser (NM_004949.5); short protein forms T386S.
Identifiers: ClinVar variation 629742 (VCV000629742.9), dbSNP rs1567977932, ClinGen allele CA402109762.

ClinVar aggregate classification (germline): Uncertain significance. Review status: criteria provided, multiple submitters, no conflicts (2 of 4 stars). 4 submissions from 4 submitters: Uncertain significance (4). Last evaluated 2025-06-17.

Conditions:
Cardiomyopathy (CMYO). Also called: Cardiomyopathies. Identifiers: Orphanet 167848, MedGen C0878544, MONDO:0004994, HP:0001638. Inheritance: Various modes of inheritance.
Arrhythmogenic right ventricular dysplasia 11. Also called: Arrhythmogenic right ventricular dysplasia 11 with mild palmoplantar keratoderma and woolly hair; Arrhythmogenic Right Ventricular Dysplasia/Cardiomyopathy11; ARRHYTHMOGENIC RIGHT VENTRICULAR DYSPLASIA, FAMILIAL, 11. Identifiers: MedGen C1864850, MONDO:0012506, OMIM 610476.
Familial isolated arrhythmogenic right ventricular dysplasia. Identifiers: Orphanet 217656, MedGen C4274968, MONDO:0016342.
Cardiovascular phenotype. Identifiers: MedGen CN230736.

Allele frequency attached by ClinVar (database versions not stated): TOPMed below 0.00001.

Submissions (4):

Labcorp Genetics (formerly Invitae), Labcorp
Classification: Uncertain significance for Arrhythmogenic right ventricular dysplasia 11. Last evaluated: 2025-06-17. Review status: criteria provided, single submitter. Criteria: Invitae Variant Classification Sherloc (09022015). Collection method: clinical testing. Allele origin: germline.
Comment: This sequence change replaces threonine, which is neutral and polar, with serine, which is neutral and polar, at codon 386 of the DSC2 protein (p.Thr386Ser). This variant is not present in population databases (gnomAD no frequency). This variant has not been reported in the literature in individuals affected with DSC2-related conditions. ClinVar contains an entry for this variant (Variation ID: 629742). Invitae Evidence Modeling of protein sequence and biophysical properties (such as structural, functional, and spatial information, amino acid conservation, physicochemical variation, residue mobility, and thermodynamic stability) indicates that this missense variant is not expected to disrupt DSC2 protein function with a negative predictive value of 80%. In summary, the available evidence is currently insufficient to determine the role of this variant in disease. Therefore, it has been classified as a Variant of Uncertain Significance.

Ambry Genetics
Classification: Uncertain significance for Cardiovascular phenotype. Last evaluated: 2025-02-09. Review status: criteria provided, single submitter. Criteria: Ambry Variant Classification Scheme 2023. Collection method: clinical testing. Allele origin: germline.
Comment: The p.T386S variant (also known as c.1157C>G), located in coding exon 9 of the DSC2 gene, results from a C to G substitution at nucleotide position 1157. The threonine at codon 386 is replaced by serine, an amino acid with similar properties. This amino acid position is conserved. In addition, this alteration is predicted to be tolerated by in silico analysis. Based on the available evidence, the clinical significance of this variant remains unclear.

Color Diagnostics, LLC DBA Color Health
Classification: Uncertain significance for Cardiomyopathy. Last evaluated: 2023-12-05. Review status: criteria provided, single submitter. Criteria: ACMG Guidelines, 2015. Collection method: clinical testing. Allele origin: germline.
Comment: This missense variant replaces threonine with serine at codon 386 of the DSC2 protein. Computational prediction suggests that this variant may not impact protein structure and function (internally defined REVEL score threshold <= 0.5, PMID: 27666373). To our knowledge, functional studies have not been reported for this variant. This variant has not been reported in individuals affected with DSC2-related disorders in the literature. This variant has not been identified in the general population by the Genome Aggregation Database (gnomAD). The available evidence is insufficient to determine the role of this variant in disease conclusively. Therefore, this variant is classified as a Variant of Uncertain Significance.

All of Us Research Program, National Institutes of Health
Classification: Uncertain significance for Familial isolated arrhythmogenic right ventricular dysplasia. Last evaluated: 2023-06-15. Review status: criteria provided, single submitter. Criteria: ACMG Guidelines, 2015. Collection method: clinical testing. Allele origin: germline. Inheritance: Autosomal dominant inheritance. Observed: 1 variant allele, 1 heterozygote.
Comment: This study involves interpretation of variants in research participants for the purpose of population health screening. Participant phenotype was not available at the time of variant classification. Additional details can be found in publication PMID: 35346344, PMCID: PMC8962531